The following is an entry in ClinVar:

NM_006158.5(NEFL):c.872C>T (p.Ala291Val)

Gene: NEFL (neurofilament light chain; minus strand). Cytogenetic location: 8p21.2.
Variant type: single nucleotide variant.
Coding change: c.872C>T on transcript NM_006158.5 (MANE Select); coding-DNA position 872, C replaced by T.
Protein change: p.Ala291Val; replaces alanine 291 with valine.
Molecular consequence: missense variant.
Genome position (GRCh38, 1-based): chr8:24,955,644, G>A on the plus strand (C>T on the coding strand, the complement: NEFL is on the minus strand). VCF-style: chr8-24955644-G-A. GRCh37 (hg19) VCF-style: chr8-24813158-G-A.
Other names: short protein forms A291V.
Identifiers: ClinVar variation 1764470 (VCV001764470.3), dbSNP rs764693486, ClinGen allele CA370621434.

ClinVar aggregate classification (germline): Uncertain significance. Review status: criteria provided, multiple submitters, no conflicts (2 of 4 stars). 2 submissions from 2 submitters: Uncertain significance (2). Last evaluated 2025-09-08.

Conditions:
Inborn genetic diseases. Identifiers: MedGen C0950123, MeSH D030342.
Charcot-Marie-Tooth disease type 2E (CMT2E). Also called: CHARCOT-MARIE-TOOTH DISEASE, AXONAL, TYPE 2E; CHARCOT-MARIE-TOOTH NEUROPATHY, TYPE 2E. Identifiers: Orphanet 99939, MedGen C1843225, MONDO:0011894, OMIM 607684.

Submissions (2):

Labcorp Genetics (formerly Invitae), Labcorp
Classification: Uncertain significance for Charcot-Marie-Tooth disease type 2E. Last evaluated: 2025-09-08. Review status: criteria provided, single submitter. Criteria: Invitae Variant Classification Sherloc (09022015). Collection method: clinical testing. Allele origin: germline.
Comment: This sequence change replaces alanine, which is neutral and non-polar, with valine, which is neutral and non-polar, at codon 291 of the NEFL protein (p.Ala291Val). This variant is not present in population databases (gnomAD no frequency). This variant has not been reported in the literature in individuals affected with NEFL-related conditions. ClinVar contains an entry for this variant (Variation ID: 1764470). Invitae Evidence Modeling of protein sequence and biophysical properties (such as structural, functional, and spatial information, amino acid conservation, physicochemical variation, residue mobility, and thermodynamic stability) indicates that this missense variant is not expected to disrupt NEFL protein function with a negative predictive value of 80%. In summary, the available evidence is currently insufficient to determine the role of this variant in disease. Therefore, it has been classified as a Variant of Uncertain Significance.

Ambry Genetics
Classification: Uncertain significance for Inborn genetic diseases. Last evaluated: 2021-07-29. Review status: criteria provided, single submitter. Criteria: Ambry Variant Classification Scheme 2023. Collection method: clinical testing. Allele origin: germline.
Comment: The p.A291V variant (also known as c.872C>T), located in coding exon 1 of the NEFL gene, results from a C to T substitution at nucleotide position 872. The alanine at codon 291 is replaced by valine, an amino acid with similar properties. This amino acid position is conserved. In addition, the in silico prediction for this alteration is inconclusive. Since supporting evidence is limited at this time, the clinical significance of this alteration remains unclear.